The following is an entry in ClinVar:

ClinVar aggregate classification (germline): Uncertain significance (1 of 4 stars; one submission).

Conditions:
Developmental and epileptic encephalopathy, 9 (DEE9). Also called: Early infantile epileptic encephalopathy 9; EPILEPSY, FEMALE-RESTRICTED, WITH MENTAL RETARDATION; PCDH19-Related X-Linked Female-Limited Epilepsy with Mental Retardation; JUBERG-HELLMAN SYNDROME. Identifiers: Orphanet 101039, Orphanet 2076, MedGen C1848137, MONDO:0010246, OMIM 300088. Disease mechanism: loss of function.

gnomAD v4.1: 1 of 1,205,553 alleles (0.000083%); highest among the groups gnomAD compares: Non-Finnish European, 0.00011%; no homozygotes.

Submission:

Labcorp Genetics (formerly Invitae), Labcorp
Classification: Uncertain significance for Developmental and epileptic encephalopathy, 9. Last evaluated: 2024-05-17. Review status: criteria provided, single submitter. Criteria: Invitae Variant Classification Sherloc (09022015). Collection method: clinical testing. Allele origin: germline.
Comment: This sequence change replaces alanine, which is neutral and non-polar, with threonine, which is neutral and polar, at codon 46 of the PCDH19 protein (p.Ala46Thr). This variant is not present in population databases (gnomAD no frequency). This variant has not been reported in the literature in individuals affected with PCDH19-related conditions. Advanced modeling of protein sequence and biophysical properties (such as structural, functional, and spatial information, amino acid conservation, physicochemical variation, residue mobility, and thermodynamic stability) has been performed at Invitae for this missense variant, however the output from this modeling did not meet the statistical confidence thresholds required to predict the impact of this variant on PCDH19 protein function. In summary, the available evidence is currently insufficient to determine the role of this variant in disease. Therefore, it has been classified as a Variant of Uncertain Significance.

NM_001184880.2(PCDH19):c.136G>A (p.Ala46Thr)

Gene: PCDH19 (protocadherin 19; minus strand). Cytogenetic location: Xq22.1.
Variant type: single nucleotide variant.
Coding change: c.136G>A on transcript NM_001184880.2 (MANE Select); coding-DNA position 136, G replaced by A.
Protein change: p.Ala46Thr; replaces alanine 46 with threonine.
Molecular consequence: missense variant.
Genome position (GRCh38, 1-based): chrX:100,408,462, C>T on the plus strand (G>A on the coding strand, the complement: PCDH19 is on the minus strand). VCF-style: chrX-100408462-C-T. GRCh37 (hg19) VCF-style: chrX-99663460-C-T.
Other names: c.136G>A, p.Ala46Thr (NM_001105243.2, NM_020766.3); short protein forms A46T.
Identifiers: ClinVar variation 3636306 (VCV003636306.2).